The following is an entry in ClinVar:

ClinVar aggregate classification (germline): Uncertain significance. Review status: criteria provided, multiple submitters, no conflicts (2 of 4 stars). 2 submissions from 2 submitters: Uncertain significance (2). Last evaluated 2025-09-26.

Conditions:
Hereditary pancreatitis (PCTT). Also called: PRSS1-Related Hereditary Pancreatitis; Hereditary chronic pancreatitis. Identifiers: Orphanet 676, MedGen C0238339, MONDO:0008185, OMIM 167800.

Allele frequency attached by ClinVar (database versions not stated): gnomAD 0.00001 and 0.00003; TOPMed 0.00004; ESP Exome Variant Server 0.00023.
gnomAD v4.1: 118 of 1,613,968 alleles (0.0073%); highest among the groups gnomAD compares: Non-Finnish European, 0.01%; no homozygotes.

Submissions (2):

Ambry Genetics
Classification: Uncertain significance for Hereditary pancreatitis. Last evaluated: 2025-09-26. Review status: criteria provided, single submitter. Criteria: Ambry Variant Classification Scheme 2023. Collection method: clinical testing. Allele origin: germline.
Comment: The p.R108W variant (also known as c.322C>T), located in coding exon 3 of the CPA1 gene, results from a C to T substitution at nucleotide position 322. The arginine at codon 108 is replaced by tryptophan, an amino acid with dissimilar properties. This amino acid position is conserved. In addition, this alteration is predicted to be tolerated by in silico analysis. Since supporting evidence is limited at this time, the clinical significance of this alteration remains unclear.

Labcorp Genetics (formerly Invitae), Labcorp
Classification: Uncertain significance. Last evaluated: 2024-07-03. Review status: criteria provided, single submitter. Criteria: Invitae Variant Classification Sherloc (09022015). Collection method: clinical testing. Allele origin: germline.
Comment: This sequence change replaces arginine, which is basic and polar, with tryptophan, which is neutral and slightly polar, at codon 108 of the CPA1 protein (p.Arg108Trp). This variant is present in population databases (rs141886698, gnomAD 0.004%). This variant has not been reported in the literature in individuals affected with CPA1-related conditions. ClinVar contains an entry for this variant (Variation ID: 1352745). An algorithm developed to predict the effect of missense changes on protein structure and function (PolyPhen-2) suggests that this variant is likely to be disruptive. In summary, the available evidence is currently insufficient to determine the role of this variant in disease. Therefore, it has been classified as a Variant of Uncertain Significance.

NM_001868.4(CPA1):c.322C>T (p.Arg108Trp)

Gene: CPA1 (carboxypeptidase A1; plus strand). Cytogenetic location: 7q32.2.
Variant type: single nucleotide variant.
Coding change: c.322C>T on transcript NM_001868.4 (MANE Select); coding-DNA position 322, C replaced by T.
Protein change: p.Arg108Trp; replaces arginine 108 with tryptophan.
Molecular consequence: missense variant.
Genome position (GRCh38, 1-based): chr7:130,381,804, C>T. VCF-style: chr7-130381804-C-T. GRCh37 (hg19) VCF-style: chr7-130021645-C-T.
Other names: short protein forms R108W.
Identifiers: ClinVar variation 1352745 (VCV001352745.11), dbSNP rs141886698, ClinGen allele CA4484754.